The following is an entry in ClinVar:

ClinVar aggregate classification (germline): Uncertain significance. Review status: criteria provided, multiple submitters, no conflicts (2 of 4 stars). 2 submissions from 2 submitters: Uncertain significance (2). Last evaluated 2025-01-13.

Conditions:
Familial thoracic aortic aneurysm and aortic dissection (TAAD). Also called: Thoracic aortic aneurysms and dissections. Identifiers: Orphanet 91387, MedGen C4707243, MONDO:0019625.
Aortic aneurysm, familial thoracic 7 (AAT7). Also called: AORTIC DISSECTION, FAMILIAL, WITH OR WITHOUT AORTIC ANEURYSM. Identifiers: MedGen C3151077, MONDO:0013418, OMIM 613780.

Allele frequency attached by ClinVar (database versions not stated): gnomAD exomes below 0.00001.
gnomAD v4.1: 1 of 1,613,902 alleles (0.000062%); highest among the groups gnomAD compares: East Asian, 0.0022%; no homozygotes.

Submissions (2):

Ambry Genetics
Classification: Uncertain significance for Familial thoracic aortic aneurysm and aortic dissection. Last evaluated: 2025-01-13. Review status: criteria provided, single submitter. Criteria: Ambry Variant Classification Scheme 2023. Collection method: clinical testing. Allele origin: germline.
Comment: The p.A1110V variant (also known as c.3329C>T), located in coding exon 15 of the MYLK gene, results from a C to T substitution at nucleotide position 3329. The alanine at codon 1110 is replaced by valine, an amino acid with similar properties. This amino acid position is conserved. In addition, this alteration is predicted to be tolerated by in silico analysis. Based on the available evidence, the clinical significance of this variant remains unclear.

Labcorp Genetics (formerly Invitae), Labcorp
Classification: Uncertain significance for Aortic aneurysm, familial thoracic 7. Last evaluated: 2021-08-11. Review status: criteria provided, single submitter. Criteria: Invitae Variant Classification Sherloc (09022015). Collection method: clinical testing. Allele origin: germline.
Comment: In summary, the available evidence is currently insufficient to determine the role of this variant in disease. Therefore, it has been classified as a Variant of Uncertain Significance. Advanced modeling of protein sequence and biophysical properties (such as structural, functional, and spatial information, amino acid conservation, physicochemical variation, residue mobility, and thermodynamic stability) performed at Invitae indicates that this missense variant is not expected to disrupt MYLK protein function. This variant has not been reported in the literature in individuals affected with MYLK-related conditions. This variant is not present in population databases (ExAC no frequency). This sequence change replaces alanine with valine at codon 1110 of the MYLK protein (p.Ala1110Val). The alanine residue is highly conserved and there is a small physicochemical difference between alanine and valine.

NM_053025.4(MYLK):c.3329C>T (p.Ala1110Val)

Gene: MYLK (myosin light chain kinase; minus strand). Cytogenetic location: 3q21.1.
Variant type: single nucleotide variant.
Coding change: c.3329C>T on transcript NM_053025.4 (MANE Select); coding-DNA position 3329, C replaced by T.
Protein change: p.Ala1110Val; replaces alanine 1110 with valine.
Molecular consequence: missense variant.
Genome position (GRCh38, 1-based): chr3:123,700,139, G>A on the plus strand (C>T on the coding strand, the complement: MYLK is on the minus strand). VCF-style: chr3-123700139-G-A. GRCh37 (hg19) VCF-style: chr3-123418986-G-A.
Other names: c.2801C>T, p.Ala934Val (NM_001321309.2); c.3122C>T, p.Ala1041Val (NM_053026.4, NM_053028.4); c.3329C>T, p.Ala1110Val (NM_053027.4); c.3329C>T (NM_053025.3); short protein forms A1041V, A1110V, A934V.
Identifiers: ClinVar variation 1441431 (VCV001441431.7), dbSNP rs1262789998, ClinGen allele CA354229266.
Genomic context (GRCh38, chr3:123,700,139, plus strand): 5'-ATGATGGTGGCTGGGGGGTCAGAAGACACCTGGCACTGGAGCAGCAGCTTCTTGCCCTCT[G>A]CCACATGAACATCTTGCAGCTTCTGCTTGAAGGCTGGGGCTGTCCCCTGGCTCTCTGATC-3'
Protein context (NP_444253.3, residues 1100-1120): FKQKLQDVHV[Ala1110Val]EGKKLLLQCQ